The following is an entry in ClinVar:

ClinVar aggregate classification (germline): Uncertain significance (1 of 4 stars; one submission).

gnomAD v4.1: 24 of 1,603,214 alleles (0.0015%); highest among the groups gnomAD compares: Admixed American, 0.0051%; no homozygotes.

Submission:

Labcorp Genetics (formerly Invitae), Labcorp
Classification: Uncertain significance. Last evaluated: 2025-11-30. Review status: criteria provided, single submitter. Criteria: Invitae Variant Classification Sherloc (09022015). Collection method: clinical testing. Allele origin: germline.
Comment: This sequence change replaces alanine, which is neutral and non-polar, with threonine, which is neutral and polar, at codon 1087 of the CARMIL2 protein (p.Ala1087Thr). The frequency data for this variant in the population databases is considered unreliable, as metrics indicate poor data quality at this position in the gnomAD database. This variant has not been reported in the literature in individuals affected with CARMIL2-related conditions. ClinVar contains an entry for this variant (Variation ID: 2158510). Invitae Evidence Modeling of protein sequence and biophysical properties (such as structural, functional, and spatial information, amino acid conservation, physicochemical variation, residue mobility, and thermodynamic stability) indicates that this missense variant is not expected to disrupt CARMIL2 protein function with a negative predictive value of 80%. In summary, the available evidence is currently insufficient to determine the role of this variant in disease. Therefore, it has been classified as a Variant of Uncertain Significance.

NM_001013838.3(CARMIL2):c.3259G>A (p.Ala1087Thr)

Gene: CARMIL2 (capping protein regulator and myosin 1 linker 2; plus strand). Cytogenetic location: 16q22.1.
Variant type: single nucleotide variant.
Coding change: c.3259G>A on transcript NM_001013838.3 (MANE Select); coding-DNA position 3259, G replaced by A.
Protein change: p.Ala1087Thr; replaces alanine 1087 with threonine.
Molecular consequence: missense variant.
Genome position (GRCh38, 1-based): chr16:67,654,369, G>A. VCF-style: chr16-67654369-G-A. GRCh37 (hg19) VCF-style: chr16-67688272-G-A.
Other names: c.3151G>A, p.Ala1051Thr (NM_001317026.3); short protein forms A1051T, A1087T.
Identifiers: ClinVar variation 2158510 (VCV002158510.3), dbSNP rs375479502, ClinGen allele CA8113982.